The following is an entry in ClinVar:

NM_001330691.3(CEP78):c.892+3A>C

Gene: CEP78 (centrosomal protein 78; plus strand). Cytogenetic location: 9q21.2.
Variant type: single nucleotide variant.
Coding change: c.892+3A>C on transcript NM_001330691.3 (MANE Select); 3 bases into the intron after coding-DNA position 892, A replaced by C.
Molecular consequence: intron variant.
Genome position (GRCh38, 1-based): chr9:78,246,785, A>C. VCF-style: chr9-78246785-A-C. GRCh37 (hg19) VCF-style: chr9-80861701-A-C.
Other names: c.892+3A>C (NM_001349839.2, NM_001349840.2, NM_001330693.3 and 4 more transcripts).
Identifiers: ClinVar variation 1061580 (VCV001061580.7), dbSNP rs2118221617, ClinGen allele CA2499219990.

ClinVar aggregate classification (germline): Uncertain significance (1 of 4 stars; one submission).

gnomAD v4.1: 1 of 1,482,784 alleles (0.000067%); highest among the groups gnomAD compares: Non-Finnish European, 0.000093%; no homozygotes.

Submission:

Labcorp Genetics (formerly Invitae), Labcorp
Classification: Uncertain significance. Last evaluated: 2023-10-03. Review status: criteria provided, single submitter. Criteria: Invitae Variant Classification Sherloc (09022015). Collection method: clinical testing. Allele origin: germline.
Comment: This sequence change falls in intron 6 of the CEP78 gene. It does not directly change the encoded amino acid sequence of the CEP78 protein. It affects a nucleotide within the consensus splice site. This variant is not present in population databases (gnomAD no frequency). This variant has not been reported in the literature in individuals affected with CEP78-related conditions. ClinVar contains an entry for this variant (Variation ID: 1061580). Variants that disrupt the consensus splice site are a relatively common cause of aberrant splicing (PMID: 17576681, 9536098). Algorithms developed to predict the effect of sequence changes on RNA splicing suggest that this variant may disrupt the consensus splice site. In summary, the available evidence is currently insufficient to determine the role of this variant in disease. Therefore, it has been classified as a Variant of Uncertain Significance.

Literature cited by the submitters: PubMed 17576681; PubMed 9536098.